The following is an entry in ClinVar:

NM_013447.4(ADGRE2):c.1782del (p.His595fs)

Gene: ADGRE2 (adhesion G protein-coupled receptor E2; minus strand). Cytogenetic location: 19p13.12.
Variant type: Deletion.
Coding change: c.1782del on transcript NM_013447.4 (MANE Select); coding-DNA position 1782, one base deleted (A; older notation c.1782delA).
Protein change: p.His595fs; shifts the reading frame from histidine 595.
Molecular consequence: frameshift variant.
Genome position (GRCh38, 1-based): chr19:14,752,335, T deleted on the plus strand (A on the coding strand, the reverse complement: ADGRE2 is on the minus strand). VCF-style (leftmost placement, unchanged base first): chr19-14752334-GT-G. GRCh37 (hg19) VCF-style: chr19-14863146-GT-G.
Other names: c.1608del, p.His537fs (NM_001271052.1); c.1635del, p.His546fs (NM_152916.2); c.1503del, p.His502fs (NM_152917.2); short protein forms H502fs, H537fs, H595fs, H546fs.
Identifiers: ClinVar variation 2732423 (VCV002732423.3), dbSNP rs2513048281, ClinGen allele CA2697556377.
Genomic context (GRCh38, chr19:14,752,334, plus strand): 5'-AGCCAGCGTGTCCTGCGTCAAGGAAGGGAGCCCTCTGGAACACCGCTGTCAATACCTTGT[GT>G]CCGGTTTGATCAATTGCCACGAGGAAGAGGAGGTGGGCCAGGAAGAGGCAGAGCGAGAGC-3'

ClinVar aggregate classification (germline): Uncertain significance (1 of 4 stars; one submission).

Submission:

Labcorp Genetics (formerly Invitae), Labcorp
Classification: Uncertain significance. Last evaluated: 2023-06-29. Review status: criteria provided, single submitter. Criteria: Invitae Variant Classification Sherloc (09022015). Collection method: clinical testing. Allele origin: germline.
Comment: In summary, the available evidence is currently insufficient to determine the role of this variant in disease. Therefore, it has been classified as a Variant of Uncertain Significance. This variant has not been reported in the literature in individuals affected with ADGRE2-related conditions. This variant is not present in population databases (gnomAD no frequency). This sequence change creates a premature translational stop signal (p.His595Thrfs*20) in the ADGRE2 gene. It is expected to result in an absent or disrupted protein product. However, the current clinical and genetic evidence is not sufficient to establish whether loss-of-function variants in ADGRE2 cause disease.